The following is an entry in ClinVar:

ClinVar aggregate classification (germline): Likely benign. Review status: criteria provided, multiple submitters, no conflicts (2 of 4 stars). 3 submissions from 3 submitters: Likely benign (2). 1 of the submissions does not count toward it. Last evaluated 2025-12-11.

Conditions:
MOGS-related disorder. Also called: MOGS-related condition.
MOGS-congenital disorder of glycosylation. Also called: GLUCOSIDASE I DEFICIENCY; CDG IIb; CDG 2B; MOGS-CDG. Identifiers: Orphanet 79330, MedGen C1853736, MONDO:0011629, OMIM 606056.

Allele frequency attached by ClinVar (database versions not stated): gnomAD 0.00021 and 0.00029; TOPMed 0.00032; gnomAD exomes 0.00034 and 0.00060; ExAC 0.00060; 1000 Genomes Project 30x 0.00078; 1000 Genomes Project 0.00100.

Submissions (8):

Labcorp Genetics (formerly Invitae), Labcorp
Classification: Likely benign for MOGS-congenital disorder of glycosylation. Last evaluated: 2025-12-11. Review status: criteria provided, single submitter. Criteria: Invitae Variant Classification Sherloc (09022015). Collection method: clinical testing. Allele origin: germline.

Blueprint Genetics
Classification: Likely benign. Last evaluated: 2024-03-06. Review status: criteria provided, single submitter. Criteria: ACMG Guidelines, 2015. Collection method: clinical testing. Allele origin: germline.

PreventionGenetics, part of Exact Sciences
Classification: Likely benign for MOGS-related condition. Last evaluated: 2020-11-02. Review status: no assertion criteria provided. Collection method: clinical testing. Allele origin: germline. Not counted in ClinVar's aggregate classification.
Comment: This variant is classified as likely benign based on ACMG/AMP sequence variant interpretation guidelines (Richards et al. 2015 PMID: 25741868, with internal and published modifications).

Dr. Peter K. Rogan Lab, Western University
No classification provided (evidence only). Condition: Hepatocellular carcinoma. Review status: no classification provided. Collection method: in vitro. Allele origin: not applicable. Functional consequence: retained intron. Not counted in ClinVar's aggregate classification.

Dr. Peter K. Rogan Lab, Western University
No classification provided (evidence only). Condition: Hepatocellular carcinoma. Review status: no classification provided. Collection method: in vitro. Allele origin: not applicable. Functional consequence: retained intron. Not counted in ClinVar's aggregate classification.

Dr. Peter K. Rogan Lab, Western University
No classification provided (evidence only). Condition: Hepatocellular carcinoma. Review status: no classification provided. Collection method: in vitro. Allele origin: not applicable. Functional consequence: retained intron. Not counted in ClinVar's aggregate classification.

Dr. Peter K. Rogan Lab, Western University
No classification provided (evidence only). Condition: Hepatocellular carcinoma. Review status: no classification provided. Collection method: in vitro. Allele origin: not applicable. Functional consequence: retained intron. Not counted in ClinVar's aggregate classification.

Dr. Peter K. Rogan Lab, Western University
No classification provided (evidence only). Condition: Gastric cancer. Review status: no classification provided. Collection method: in vitro. Allele origin: not applicable. Functional consequence: retained intron. Not counted in ClinVar's aggregate classification.

NM_006302.3(MOGS):c.664G>A (p.Gly222Arg)

Gene: MOGS (mannosyl-oligosaccharide glucosidase; minus strand). Cytogenetic location: 2p13.1.
Variant type: single nucleotide variant.
Coding change: c.664G>A on transcript NM_006302.3 (MANE Select); coding-DNA position 664, G replaced by A.
Protein change: p.Gly222Arg; replaces glycine 222 with arginine.
Molecular consequence: missense variant.
Genome position (GRCh38, 1-based): chr2:74,463,302, C>T on the plus strand (G>A on the coding strand, the complement: MOGS is on the minus strand). VCF-style: chr2-74463302-C-T. GRCh37 (hg19) VCF-style: chr2-74690429-C-T.
Other names: c.346G>A, p.Gly116Arg (NM_001146158.2); c.664G>A, p.Gly222Arg (LRG_1226t1); short protein forms G222R, G116R.
Identifiers: ClinVar variation 465843 (VCV000465843.16), dbSNP rs3213671, ClinGen allele CA1724959.
Genomic context (GRCh38, chr2:74,463,302, plus strand): 5'-AGCGGAAGTCACCAAGTTCACTGGTGTGCCCACTGATAAACTTCAACTGCCCCTTGGCCC[C>T]AACCTCTGGTAGTAGGACTTCCTTGCCATCTGTCACCACATAGAAGAACAGGGAGACCAA-3'
Protein context (NP_006293.2, residues 212-232): DGKEVLLPEV[Gly222Arg]AKGQLKFISG